The following is an entry in ClinVar:

ClinVar aggregate classification (germline): Uncertain significance (1 of 4 stars; one submission).

Conditions:
Neurodevelopmental disorder. Identifiers: MedGen C1535926, MeSH D065886, MONDO:0700092.

Submission:

Victorian Clinical Genetics Services, Murdoch Childrens Research Institute
Classification: Uncertain significance for Neurodevelopmental disorder. Last evaluated: 2022-06-24. Review status: criteria provided, single submitter. Criteria: ACMG Guidelines, 2015. Collection method: clinical testing. Allele origin: germline. Inheritance: Autosomal dominant inheritance. Affected: yes.
Comment: Based on the classification scheme VCGS_Germline_v1.3.4, this variant is classified as VUS-3B. Following criteria are met: 0101 - Gain of function is a known mechanism of disease in this gene and is associated with intellectual disability and epilepsy (MONDO:0700092). Missense variants have been functionally proven to increase basal function and intracellular calcium levels (PMID: 32427099). (I) 0107 - This gene is associated with autosomal dominant disease (PMID: 31278393). (I) 0200 - Variant is predicted to result in a missense amino acid change from tryptophan to serine. (I) 0251 - This variant is heterozygous. (I) 0301 - Variant is absent from gnomAD (both v2 and v3). (SP) 0501 - Missense variant consistently predicted to be damaging by multiple in silico tools or highly conserved with a major amino acid change. (SP) 0604 - Variant is not located in an established domain, motif, hotspot or informative constraint region. (I) 0705 - No comparable missense variants have previous evidence for pathogenicity. (I) 0807 - This variant has no previous evidence of pathogenicity. (I) 0905 - No published segregation evidence has been identified for this variant. (I) 1007 - No published functional evidence has been identified for this variant. (I) 1207 - Parental origin of the variant is unresolved. (I) Legend: (SP) - Supporting pathogenic, (I) - Information, (SB) - Supporting benign

Literature cited by the submitters: PubMed 31278393; PubMed 32427099.

NM_001366145.2(TRPM3):c.4493G>C (p.Trp1498Ser)

Genes: KLF9-DT (KLF9 divergent transcript; plus strand), TRPM3 (transient receptor potential cation channel subfamily M member 3; minus strand). Cytogenetic location: 9q21.12.
Variant type: single nucleotide variant.
Coding change: c.4493G>C on transcript NM_001366145.2 (MANE Select); coding-DNA position 4493, G replaced by C.
Protein change: p.Trp1498Ser; replaces tryptophan 1498 with serine.
Molecular consequence: missense variant. On other transcripts: intron variant (8).
Genome position (GRCh38, 1-based): chr9:70,536,620, C>G on the plus strand (G>C on the coding strand, the complement: TRPM3 is on the minus strand). VCF-style: chr9-70536620-C-G. GRCh37 (hg19) VCF-style: chr9-73151536-C-G.
Other names: c.4457G>C, p.Trp1486Ser (NM_001007471.4); c.4463G>C, p.Trp1488Ser (NM_001366141.2, NM_001366149.2); c.4568G>C, p.Trp1523Ser (NM_001366147.2); c.3998G>C, p.Trp1333Ser (NM_020952.6); c.4034G>C, p.Trp1345Ser (NM_024971.7); c.3968G>C, p.Trp1323Ser (NM_206944.5); c.4004G>C, p.Trp1335Ser (NM_206945.5); c.4073G>C, p.Trp1358Ser (NM_206946.5); and 9 more; short protein forms W1323S, W1333S, W1335S, W1345S, W1348S, W1358S, W1486S, W1488S.
Identifiers: ClinVar variation 1699259 (VCV001699259.3), dbSNP rs2041829797, ClinGen allele CA373549620.